The following is an entry in ClinVar:

ClinVar aggregate classification (germline): Pathogenic. Review status: criteria provided, multiple submitters, no conflicts (2 of 4 stars). 4 submissions from 4 submitters: Pathogenic (4). Last evaluated 2025-01-10.

Conditions:
Peutz-Jeghers syndrome (PJS). Also called: POLYPOSIS, HAMARTOMATOUS INTESTINAL; POLYPS-AND-SPOTS SYNDROME; Peutz-Jeghers polyposis; Periorificial lentiginosis syndrome. Identifiers: Orphanet 2869, MedGen C0031269, MeSH D010580, MONDO:0008280, OMIM 175200.
Melanoma, cutaneous malignant, susceptibility to, 1 (CMM1). Also called: DYSPLASTIC NEVUS SYNDROME, HEREDITARY; FAMILIAL ATYPICAL MOLE-MALIGNANT MELANOMA SYNDROME; B-K MOLE SYNDROME; MELANOMA, MALIGNANT. Identifiers: Orphanet 618, MedGen C1835047, MONDO:0007963, OMIM 155600.

Submissions (4):

Department of Clinical Genetics, Copenhagen University Hospital, Rigshospitalet
Classification: Pathogenic for Peutz-Jeghers syndrome. Last evaluated: 2025-01-10. Review status: criteria provided, single submitter. Criteria: ACMG Guidelines, 2015. Collection method: clinical testing. Allele origin: germline. Affected: yes.
Comment: The following ACMG criteria was used: PVS1; PM2_SUP; PS4_SUP

Myriad Genetics, Inc.
Classification: Pathogenic for Peutz-Jeghers syndrome. Last evaluated: 2024-02-09. Review status: criteria provided, single submitter. Criteria: Myriad Autosomal Dominant, Autosomal Recessive and X-Linked Classification Criteria (2023). Collection method: clinical testing. Allele origin: unknown.
Comment: This variant is considered pathogenic. This variant creates a termination codon and is predicted to result in premature protein truncation.

Baylor Genetics
Classification: Pathogenic for Melanoma, cutaneous malignant, susceptibility to, 1. Last evaluated: 2022-08-10. Review status: criteria provided, single submitter. Criteria: ACMG Guidelines, 2015. Collection method: clinical testing. Allele origin: unknown.

Labcorp Genetics (formerly Invitae), Labcorp
Classification: Pathogenic for Peutz-Jeghers syndrome. Last evaluated: 2017-09-18. Review status: criteria provided, single submitter. Criteria: Invitae Variant Classification Sherloc (09022015). Collection method: clinical testing. Allele origin: germline.
Comment: For these reasons, this variant has been classified as Pathogenic. Loss-of-function variants in STK11 are known to be pathogenic (PMID: 15188174, 16287113). This sequence change creates a premature translational stop signal (p.Arg86*) in the STK11 gene. It is expected to result in an absent or disrupted protein product. This variant is not present in population databases (ExAC no frequency). This variant has been reported in individuals affected with Peutz–Jeghers syndrome (PMID: 9887330, 26979979).

Literature cited by the submitters: PubMed 37017260 (cited by Department of Clinical Genetics, Copenhagen University Hospital, Rigshospitalet); PubMed 15188174 (cited by Labcorp Genetics (formerly Invitae), Labcorp); PubMed 16287113 (cited by Labcorp Genetics (formerly Invitae), Labcorp); PubMed 9887330 (cited by Labcorp Genetics (formerly Invitae), Labcorp); PubMed 26979979 (cited by Labcorp Genetics (formerly Invitae), Labcorp).

NM_000455.5(STK11):c.256C>T (p.Arg86Ter)

Gene: STK11 (serine/threonine kinase 11; plus strand). Cytogenetic location: 19p13.3.
Variant type: single nucleotide variant.
Coding change: c.256C>T on transcript NM_000455.5 (MANE Select); coding-DNA position 256, C replaced by T.
Protein change: p.Arg86Ter; replaces arginine 86 with a stop codon.
Molecular consequence: nonsense.
Genome position (GRCh38, 1-based): chr19:1,207,169, C>T. VCF-style: chr19-1207169-C-T. GRCh37 (hg19) VCF-style: chr19-1207168-C-T.
Other names: short protein forms R86*.
Identifiers: ClinVar variation 527834 (VCV000527834.11), dbSNP rs1057520039, ClinGen allele CA402944528.